The following is an entry in ClinVar:

NM_001621.5(AHR):c.197A>G (p.Lys66Arg)

Gene: AHR (aryl hydrocarbon receptor; plus strand). Cytogenetic location: 7p21.1.
Variant type: single nucleotide variant.
Coding change: c.197A>G on transcript NM_001621.5 (MANE Select); coding-DNA position 197, A replaced by G.
Protein change: p.Lys66Arg; replaces lysine 66 with arginine.
Molecular consequence: missense variant.
Genome position (GRCh38, 1-based): chr7:17,310,067, A>G. VCF-style: chr7-17310067-A-G. GRCh37 (hg19) VCF-style: chr7-17349691-A-G.
Other names: c.197A>G (NM_001621.4); short protein forms K66R.
Identifiers: ClinVar variation 1476799 (VCV001476799.9), dbSNP rs142412199, ClinGen allele CA4171737.

ClinVar aggregate classification (germline): Uncertain significance. Review status: criteria provided, multiple submitters, no conflicts (2 of 4 stars). 2 submissions from 2 submitters: Uncertain significance (2). Last evaluated 2022-01-10.

Allele frequency attached by ClinVar (database versions not stated): gnomAD exomes 0.00001; TOPMed 0.00001; ExAC 0.00002; ESP Exome Variant Server 0.00015.
gnomAD v4.1: 12 of 1,614,070 alleles (0.00074%); highest among the groups gnomAD compares: Admixed American, 0.0017%; no homozygotes.

Submissions (2):

Ambry Genetics
Classification: Uncertain significance. Last evaluated: 2022-01-10. Review status: criteria provided, single submitter. Criteria: Ambry Variant Classification Scheme 2023. Collection method: clinical testing. Allele origin: germline.

Labcorp Genetics (formerly Invitae), Labcorp
Classification: Uncertain significance. Last evaluated: 2021-05-18. Review status: criteria provided, single submitter. Criteria: Invitae Variant Classification Sherloc (09022015). Collection method: clinical testing. Allele origin: germline.
Comment: In summary, the available evidence is currently insufficient to determine the role of this variant in disease. Therefore, it has been classified as a Variant of Uncertain Significance. Algorithms developed to predict the effect of missense changes on protein structure and function are either unavailable or do not agree on the potential impact of this missense change (SIFT: "Tolerated"; PolyPhen-2: "Possibly Damaging"; Align-GVGD: "Class C0"). This variant has not been reported in the literature in individuals with AHR-related conditions. This variant is present in population databases (rs142412199, ExAC 0.003%). This sequence change replaces lysine with arginine at codon 66 of the AHR protein (p.Lys66Arg). The lysine residue is highly conserved and there is a small physicochemical difference between lysine and arginine.